The following is an entry in ClinVar:

NM_005732.4(RAD50):c.2815A>T (p.Ile939Leu)

Gene: RAD50 (RAD50 double strand break repair protein; plus strand). Cytogenetic location: 5q31.1.
Variant type: single nucleotide variant.
Coding change: c.2815A>T on transcript NM_005732.4 (MANE Select); coding-DNA position 2815, A replaced by T.
Protein change: p.Ile939Leu; replaces isoleucine 939 with leucine.
Molecular consequence: missense variant.
Genome position (GRCh38, 1-based): chr5:132,608,711, A>T. VCF-style: chr5-132608711-A-T. GRCh37 (hg19) VCF-style: chr5-131944403-A-T.
Other names: c.2815A>T (NM_005732.3); short protein forms I939L.
Identifiers: ClinVar variation 1494581 (VCV001494581.9), dbSNP rs2149849462, ClinGen allele CA360959177.

ClinVar aggregate classification (germline): Uncertain significance. Review status: criteria provided, multiple submitters, no conflicts (2 of 4 stars). 2 submissions from 2 submitters: Uncertain significance (2). Last evaluated 2023-10-21.

Conditions:
Hereditary cancer-predisposing syndrome. Also called: Tumor predisposition; Hereditary neoplastic syndrome; Neoplastic Syndromes, Hereditary; Hereditary Cancer Syndrome. Identifiers: Orphanet 140162, MedGen C0027672, MeSH D009386, MONDO:0015356.

Submissions (2):

Ambry Genetics
Classification: Uncertain significance for Hereditary cancer-predisposing syndrome. Last evaluated: 2023-10-21. Review status: criteria provided, single submitter. Criteria: Ambry Variant Classification Scheme 2023. Collection method: clinical testing. Allele origin: germline.
Comment: The p.I939L variant (also known as c.2815A>T), located in coding exon 17 of the RAD50 gene, results from an A to T substitution at nucleotide position 2815. The isoleucine at codon 939 is replaced by leucine, an amino acid with highly similar properties. This amino acid position is conserved. In addition, this alteration is predicted to be tolerated by in silico analysis. Since supporting evidence is limited at this time, the clinical significance of this alteration remains unclear.

Labcorp Genetics (formerly Invitae), Labcorp
Classification: Uncertain significance for Hereditary cancer-predisposing syndrome. Last evaluated: 2023-04-19. Review status: criteria provided, single submitter. Criteria: Invitae Variant Classification Sherloc (09022015). Collection method: clinical testing. Allele origin: germline.
Comment: In summary, the available evidence is currently insufficient to determine the role of this variant in disease. Therefore, it has been classified as a Variant of Uncertain Significance. Advanced modeling of protein sequence and biophysical properties (such as structural, functional, and spatial information, amino acid conservation, physicochemical variation, residue mobility, and thermodynamic stability) performed at Invitae indicates that this missense variant is not expected to disrupt RAD50 protein function. ClinVar contains an entry for this variant (Variation ID: 1494581). This variant has not been reported in the literature in individuals affected with RAD50-related conditions. This variant is not present in population databases (gnomAD no frequency). This sequence change replaces isoleucine, which is neutral and non-polar, with leucine, which is neutral and non-polar, at codon 939 of the RAD50 protein (p.Ile939Leu).